The following is an entry in ClinVar:

ClinVar aggregate classification (germline): Likely benign. Review status: criteria provided, single submitter (1 of 4 stars). 2 submissions from 2 submitters: Likely benign (1). 1 of the submissions does not count toward it. Last evaluated 2026-01-06.

Conditions:
ACVR1-related disorder. Also called: ACVR1-related condition.

Allele frequency attached by ClinVar (database versions not stated): gnomAD 0.00006; TOPMed 0.00006; ExAC 0.00007; gnomAD exomes 0.00007 and 0.00008; ESP Exome Variant Server 0.00008.
gnomAD v4.1: 107 of 1,613,686 alleles (0.0066%); highest among the groups gnomAD compares: East Asian, 0.0089%; no homozygotes.

Submissions (2):

Labcorp Genetics (formerly Invitae), Labcorp
Classification: Likely benign. Last evaluated: 2026-01-06. Review status: criteria provided, single submitter. Criteria: Invitae Variant Classification Sherloc (09022015). Collection method: clinical testing. Allele origin: germline.

PreventionGenetics, part of Exact Sciences
Classification: Likely benign for ACVR1-related condition. Last evaluated: 2019-07-29. Review status: no assertion criteria provided. Collection method: clinical testing. Allele origin: germline. Not counted in ClinVar's aggregate classification.
Comment: This variant is classified as likely benign based on ACMG/AMP sequence variant interpretation guidelines (Richards et al. 2015 PMID: 25741868, with internal and published modifications).

NM_001111067.4(ACVR1):c.501C>T (p.Ile167=)

Gene: ACVR1 (activin A receptor type 1; minus strand). Cytogenetic location: 2q24.1.
Variant type: single nucleotide variant.
Coding change: c.501C>T on transcript NM_001111067.4 (MANE Select); coding-DNA position 501, C replaced by T.
Protein change: p.Ile167=; no amino-acid change (isoleucine 167 retained).
Molecular consequence: synonymous variant.
Genome position (GRCh38, 1-based): chr2:157,778,173, G>A on the plus strand (C>T on the coding strand, the complement: ACVR1 is on the minus strand). VCF-style: chr2-157778173-G-A. GRCh37 (hg19) VCF-style: chr2-158634685-G-A.
Other names: c.501C>T, p.Ile167= (NM_001105.5, NM_001347663.1, NM_001347664.1 and 3 more transcripts).
Identifiers: ClinVar variation 739042 (VCV000739042.10), dbSNP rs368751955, ClinGen allele CA1919144.